The following is an entry in ClinVar:

NM_001256071.3(RNF213):c.2968A>G (p.Ser990Gly)

Gene: RNF213 (ring finger protein 213; plus strand). Cytogenetic location: 17q25.3.
Variant type: single nucleotide variant.
Coding change: c.2968A>G on transcript NM_001256071.3 (MANE Select); coding-DNA position 2968, A replaced by G.
Protein change: p.Ser990Gly; replaces serine 990 with glycine.
Molecular consequence: missense variant.
Genome position (GRCh38, 1-based): chr17:80,319,256, A>G. VCF-style: chr17-80319256-A-G. GRCh37 (hg19) VCF-style: chr17-78293056-A-G.
Other names: c.2968A>G, p.Ser990Gly (NM_020954.4); short protein forms S990G.
Identifiers: ClinVar variation 1317088 (VCV001317088.2), dbSNP rs1004818115, ClinGen allele CA294905551.

ClinVar aggregate classification (germline): Uncertain significance (1 of 4 stars; one submission).

Allele frequency attached by ClinVar (database versions not stated): gnomAD exomes below 0.00001; TOPMed below 0.00001.
gnomAD v4.1: 3 of 1,614,218 alleles (0.00019%); highest among the groups gnomAD compares: Non-Finnish European, 0.00025%; no homozygotes.

Submission:

GeneDx
Classification: Uncertain significance. Last evaluated: 2019-06-05. Review status: criteria provided, single submitter. Criteria: GeneDx Variant Classification Process June 2021. Collection method: clinical testing. Allele origin: germline. Affected: yes.
Comment: Not observed in large population cohorts (Lek et al., 2016); In silico analysis, which includes protein predictors and evolutionary conservation, supports a deleterious effect; Has not been previously published as pathogenic or benign to our knowledge